The following is an entry in ClinVar:

NM_001164508.2(NEB):c.6195_6200del (p.2063KY[1])

Gene: NEB (nebulin; minus strand). Cytogenetic location: 2q23.3.
Variant type: Deletion.
Coding change: c.6195_6200del on transcript NM_001164508.2 (MANE Select); coding-DNA positions 6195 to 6200, 6 bases deleted (GTACAA; older notation c.6195_6200delGTACAA).
Protein change: p.2063KY[1].
Molecular consequence: inframe deletion.
Genome position (GRCh38, 1-based): chr2:151,656,448-151,656,453, TTGTAC deleted on the plus strand (GTACAA on the coding strand, the reverse complement: NEB is on the minus strand); deleting any 6 consecutive bases within chr2:151,656,448-151,656,458 gives the same sequence; the c. name uses the placement nearest the transcript's 3' end. VCF-style (leftmost placement, unchanged base first): chr2-151656447-ATTGTAC-A. GRCh37 (hg19) VCF-style: chr2-152512961-ATTGTAC-A.
Other names: c.6195_6200del, p.2063KY[1] (NM_001164507.2, NM_001271208.2, NM_004543.5); c.6195_6200del6 (NM_001271208.1).
Identifiers: ClinVar variation 551448 (VCV000551448.7), dbSNP rs767681176, ClinGen allele CA1910148.

ClinVar aggregate classification (germline): Uncertain significance. Review status: criteria provided, multiple submitters, no conflicts (2 of 4 stars). 3 submissions from 3 submitters: Uncertain significance (2). 1 of the submissions does not count toward it. Last evaluated 2025-01-28.

Conditions:
Nemaline myopathy 2 (NEM2). Also called: Nemaline myopathy 2, autosomal recessive. Identifiers: MedGen C1850569, MONDO:0009725, OMIM 256030.

Submissions (3):

Labcorp Genetics (formerly Invitae), Labcorp
Classification: Uncertain significance for Nemaline myopathy 2. Last evaluated: 2025-01-28. Review status: criteria provided, single submitter. Criteria: Invitae Variant Classification Sherloc (09022015). Collection method: clinical testing. Allele origin: germline.
Comment: This variant, c.6195_6200del, results in the deletion of 2 amino acid(s) of the NEB protein (p.Lys2065_Tyr2066del), but otherwise preserves the integrity of the reading frame. This variant is present in population databases (rs767681176, gnomAD 0.003%). This variant has not been reported in the literature in individuals affected with NEB-related conditions. ClinVar contains an entry for this variant (Variation ID: 551448). Experimental studies and prediction algorithms are not available or were not evaluated, and the functional significance of this variant is currently unknown. In summary, the available evidence is currently insufficient to determine the role of this variant in disease. Therefore, it has been classified as a Variant of Uncertain Significance.

GeneDx
Classification: Uncertain significance. Last evaluated: 2022-12-29. Review status: criteria provided, single submitter. Criteria: GeneDx Variant Classification Process June 2021. Collection method: clinical testing. Allele origin: germline. Affected: yes.
Comment: Not observed at significant frequency in large population cohorts (gnomAD); In-frame deletion of 2 amino acids in a non-repeat region; In silico analysis supports a deleterious effect on protein structure/function; Has not been previously published as pathogenic or benign to our knowledge

Counsyl
Classification: Uncertain significance for Nemaline myopathy 2. Last evaluated: 2017-04-11. Review status: no assertion criteria provided. Collection method: clinical testing. Allele origin: unknown. Not counted in ClinVar's aggregate classification.